The following is an entry in ClinVar:

NM_000458.4(HNF1B):c.305A>C (p.Glu102Ala)

Gene: HNF1B (HNF1 homeobox B; minus strand). Cytogenetic location: 17q12.
Variant type: single nucleotide variant.
Coding change: c.305A>C on transcript NM_000458.4 (MANE Select); coding-DNA position 305, A replaced by C.
Protein change: p.Glu102Ala; replaces glutamic acid 102 with alanine.
Molecular consequence: missense variant.
Genome position (GRCh38, 1-based): chr17:37,744,580, T>G on the plus strand (A>C on the coding strand, the complement: HNF1B is on the minus strand). VCF-style: chr17-37744580-T-G. GRCh37 (hg19) VCF-style: chr17-36104571-T-G.
Other names: c.305A>C, p.Glu102Ala (NM_001165923.4, NM_001304286.2, NM_001411100.1); short protein forms E102A.
Identifiers: ClinVar variation 1982610 (VCV001982610.6), dbSNP rs982165538, ClinGen allele CA290293071.
Genomic context (GRCh38, chr17:37,744,580, plus strand): 5'-TCCACCTCGCTCTGCGCCTACCTGAGCATCCGGTCCACCTCCGCCCGCTGCTCCGCCGCC[T>G]CCTCGGTGTTGAGCGCCTGCAGCTCCTTGAGGATGGGAGGTGTGTCATAGTCGTCGCCGT-3'
Protein context (NP_000449.1, residues 92-112): LKELQALNTE[Glu102Ala]AAEQRAEVDR

ClinVar aggregate classification (germline): Uncertain significance. Review status: criteria provided, multiple submitters, no conflicts (2 of 4 stars). 3 submissions from 3 submitters: Uncertain significance (3). Last evaluated 2026-03-18.

Conditions:
Nonpapillary renal cell carcinoma. Identifiers: Orphanet 422526, MedGen CN074294, MONDO:0007763, OMIM 144700.
Renal cysts and diabetes syndrome (RCAD). Also called: Familial hypoplastic, glomerulocystic kidney; MATURITY-ONSET DIABETES OF THE YOUNG, TYPE 5. Identifiers: Orphanet 93111, MedGen C0431693, MONDO:0007669, OMIM 137920.
Type 2 diabetes mellitus. Also called: Type II diabetes mellitus. Identifiers: MedGen C0011860, MeSH D003924, MONDO:0005148, OMIM 125853, HP:0005978.

Allele frequency attached by ClinVar (database versions not stated): gnomAD 0.00001; TOPMed 0.00001; gnomAD exomes below 0.00001.
gnomAD v4.1: 2 of 1,606,714 alleles (0.00012%); highest among the groups gnomAD compares: African/African-American, 0.0027%; no homozygotes.

Submissions (3):

Women's Health and Genetics/Laboratory Corporation of America, LabCorp
Classification: Uncertain significance. Last evaluated: 2026-03-18. Review status: criteria provided, single submitter. Criteria: LabCorp Variant Classification Summary - May 2015. Collection method: clinical testing. Allele origin: germline.
Comment: Variant summary: HNF1B c.305A>C (p.Glu102Ala) results in a non-conservative amino acid change in the encoded protein sequence. Algorithms developed to predict the effect of missense changes on protein structure and function all suggest that this variant is likely to be disruptive. The variant was absent in 245074 control chromosomes. The available data on variant occurrences in the general population are insufficient to allow any conclusion about variant significance. To our knowledge, no occurrence of c.305A>C in individuals affected with HNF1B-related conditions and no experimental evidence demonstrating its impact on protein function have been reported. ClinVar contains an entry for this variant (Variation ID: 1982610). Based on the evidence outlined above, the variant was classified as uncertain significance.

Fulgent Genetics
Classification: Uncertain significance for Type 2 diabetes mellitus; Renal cysts and diabetes syndrome; Nonpapillary renal cell carcinoma. Last evaluated: 2024-02-20. Review status: criteria provided, single submitter. Criteria: ACMG Guidelines, 2015. Collection method: clinical testing. Allele origin: germline.

Labcorp Genetics (formerly Invitae), Labcorp
Classification: Uncertain significance. Last evaluated: 2022-03-11. Review status: criteria provided, single submitter. Criteria: Invitae Variant Classification Sherloc (09022015). Collection method: clinical testing. Allele origin: germline.
Comment: This sequence change replaces glutamic acid, which is acidic and polar, with alanine, which is neutral and non-polar, at codon 102 of the HNF1B protein (p.Glu102Ala). This variant is not present in population databases (gnomAD no frequency). This variant has not been reported in the literature in individuals affected with HNF1B-related conditions. Advanced modeling of protein sequence and biophysical properties (such as structural, functional, and spatial information, amino acid conservation, physicochemical variation, residue mobility, and thermodynamic stability) performed at Invitae indicates that this missense variant is expected to disrupt HNF1B protein function. In summary, the available evidence is currently insufficient to determine the role of this variant in disease. Therefore, it has been classified as a Variant of Uncertain Significance.